The following is an entry in ClinVar:

ClinVar aggregate classification (germline): Uncertain significance. Review status: criteria provided, multiple submitters, no conflicts (2 of 4 stars). 2 submissions from 2 submitters: Uncertain significance (2). Last evaluated 2025-03-29.

Conditions:
Hereditary cancer-predisposing syndrome. Also called: Hereditary Cancer Syndrome; Tumor predisposition; Hereditary neoplastic syndrome; Neoplastic Syndromes, Hereditary. Identifiers: Orphanet 140162, MedGen C0027672, MeSH D009386, MONDO:0015356.
Hereditary diffuse gastric adenocarcinoma (HDGC). Also called: DIFFUSE GASTRIC AND LOBULAR BREAST CANCER SYNDROME. Identifiers: Orphanet 26106, MedGen C1708349, MONDO:0007648, OMIM 137215.

Submissions (2):

Ambry Genetics
Classification: Uncertain significance for Hereditary cancer-predisposing syndrome. Last evaluated: 2025-03-29. Review status: criteria provided, single submitter. Criteria: Ambry Variant Classification Scheme 2023. Collection method: clinical testing. Allele origin: germline.
Comment: The p.V216A variant (also known as c.647T>C), located in coding exon 5 of the CDH1 gene, results from a T to C substitution at nucleotide position 647. The valine at codon 216 is replaced by alanine, an amino acid with similar properties. This amino acid position is conserved. In addition, this alteration is predicted to be deleterious by in silico analysis. Based on the available evidence, the clinical significance of this variant remains unclear.

Labcorp Genetics (formerly Invitae), Labcorp
Classification: Uncertain significance for Hereditary diffuse gastric adenocarcinoma. Last evaluated: 2024-09-01. Review status: criteria provided, single submitter. Criteria: Invitae Variant Classification Sherloc (09022015). Collection method: clinical testing. Allele origin: germline.
Comment: This sequence change replaces valine, which is neutral and non-polar, with alanine, which is neutral and non-polar, at codon 216 of the CDH1 protein (p.Val216Ala). This variant is not present in population databases (gnomAD no frequency). This variant has not been reported in the literature in individuals affected with CDH1-related conditions. An algorithm developed to predict the effect of missense changes on protein structure and function (PolyPhen-2) suggests that this variant is likely to be disruptive. In summary, the available evidence is currently insufficient to determine the role of this variant in disease. Therefore, it has been classified as a Variant of Uncertain Significance.

NM_004360.5(CDH1):c.647T>C (p.Val216Ala)

Gene: CDH1 (cadherin 1; plus strand). Cytogenetic location: 16q22.1.
Variant type: single nucleotide variant.
Coding change: c.647T>C on transcript NM_004360.5 (MANE Select); coding-DNA position 647, T replaced by C.
Protein change: p.Val216Ala; replaces valine 216 with alanine.
Molecular consequence: missense variant. On other transcripts: 5 prime UTR variant (2).
Genome position (GRCh38, 1-based): chr16:68,808,808, T>C. VCF-style: chr16-68808808-T-C. GRCh37 (hg19) VCF-style: chr16-68842711-T-C.
Other names: c.647T>C, p.Val216Ala (NM_001317184.2); c.-969T>C (NM_001317185.2); c.-1173T>C (NM_001317186.2); short protein forms V216A.
Identifiers: ClinVar variation 3680237 (VCV003680237.3).
Genomic context (GRCh38, chr16:68,808,808, plus strand): 5'-GAGCTGACACACCCCCTGTTGGTGTCTTTATTATTGAAAGAGAAACAGGATGGCTGAAGG[T>C]GACAGAGCCTCTGGATAGAGAACGCATTGCCACATACACTGTAAGTATCTCTTAGAAGCT-3'
Protein context (NP_004351.1, residues 206-226): IIERETGWLK[Val216Ala]TEPLDRERIA